The following is an entry in ClinVar:

ClinVar aggregate classification (germline): Uncertain significance (1 of 4 stars; one submission).

gnomAD v4.1: 11 of 1,599,666 alleles (0.00069%); highest among the groups gnomAD compares: East Asian, 0.016%; no homozygotes.

Submission:

Ambry Genetics
Classification: Uncertain significance. Last evaluated: 2025-10-02. Review status: criteria provided, single submitter. Criteria: Ambry Variant Classification Scheme 2023. Collection method: clinical testing. Allele origin: germline.
Comment: The c.686T>C (p.V229A) alteration is located in exon 9 (coding exon 9) of the HSD17B14 gene. This alteration results from a T to C substitution at nucleotide position 686, causing the valine (V) at amino acid position 229 to be replaced by an alanine (A). Based on data from gnomAD, the C allele has an overall frequency of 0.002% (5/218672) total alleles studied. The highest observed frequency was 0.03% (5/16624) of East Asian alleles. Based on insufficient or conflicting evidence, the clinical significance of this alteration remains unclear.

NM_016246.3(HSD17B14):c.686T>C (p.Val229Ala)

Gene: HSD17B14 (hydroxysteroid 17-beta dehydrogenase 14; minus strand). Cytogenetic location: 19q13.33.
Variant type: single nucleotide variant.
Coding change: c.686T>C on transcript NM_016246.3 (MANE Select); coding-DNA position 686, T replaced by C.
Protein change: p.Val229Ala; replaces valine 229 with alanine.
Molecular consequence: missense variant.
Genome position (GRCh38, 1-based): chr19:48,813,302, A>G on the plus strand (T>C on the coding strand, the complement: HSD17B14 is on the minus strand). VCF-style: chr19-48813302-A-G. GRCh37 (hg19) VCF-style: chr19-49316559-A-G.
Other names: short protein forms V229A.
Identifiers: ClinVar variation 4677027 (VCV004677027.1).
Genomic context (GRCh38, chr19:48,813,302, plus strand): 5'-GCACCCCCCGTCACGAGCAGTTCAATGCCCGTGCAGAAGTTGGCTTCGGAGGCCAGGAAC[A>G]CTGCCGCAGCCCCGACCTCAGCGGGCTGGCCCATGCGGCCCAGTGGCTGGGGAGAAAAGA-3'
Protein context (NP_057330.2, residues 219-239): GQPAEVGAAA[Val229Ala]FLASEANFCT